The following is an entry in ClinVar:

NM_000088.4(COL1A1):c.1444G>A (p.Gly482Arg)

Gene: COL1A1 (collagen type I alpha 1 chain; minus strand). Cytogenetic location: 17q21.33.
Variant type: single nucleotide variant.
Coding change: c.1444G>A on transcript NM_000088.4 (MANE Select); coding-DNA position 1444, G replaced by A.
Protein change: p.Gly482Arg; replaces glycine 482 with arginine.
Molecular consequence: missense variant.
Genome position (GRCh38, 1-based): chr17:50,194,738, C>T on the plus strand (G>A on the coding strand, the complement: COL1A1 is on the minus strand). VCF-style: chr17-50194738-C-T. GRCh37 (hg19) VCF-style: chr17-48272099-C-T.
Other names: short protein forms G482R.
Identifiers: ClinVar variation 1342741 (VCV001342741.5), dbSNP rs72648344, ClinGen allele CA291545442.

ClinVar aggregate classification (germline): Pathogenic/Likely pathogenic. Review status: criteria provided, multiple submitters, no conflicts (2 of 4 stars). 3 submissions from 3 submitters: Pathogenic (2); Likely pathogenic (1). Last evaluated 2026-02-12.

Conditions:
Infantile cortical hyperostosis. Also called: Caffey Disease; Hyperostosis, Cortical, Congenital; P1PK BLOOD GROUP SYSTEM, P(2) PHENOTYPE. Identifiers: Orphanet 1310, MedGen C0020497, MONDO:0007244, OMIM 114000.
Osteogenesis imperfecta type III (OI3). Also called: Osteogenesis imperfecta type 3; OI type 3; Osteogenesis imperfecta, progressively deforming with normal sclerae; OI type III; Progressively Deforming Osteogenesis Imperfecta. Identifiers: Orphanet 216812, Orphanet 666, MedGen C0268362, MONDO:0009804, OMIM 259420.
Osteoporosis. Identifiers: MedGen C0029456, MONDO:0005298, OMIM 166710, HP:0000939.
Osteogenesis imperfecta type I (OI1). Also called: OI, TYPE I; OSTEOGENESIS IMPERFECTA TARDA; OSTEOGENESIS IMPERFECTA WITH BLUE SCLERAE; Osteogenesis imperfecta type 1; Lobstein's Disease; Lobstein disease. Identifiers: Orphanet 216796, Orphanet 666, MedGen C0023931, MONDO:0008146, OMIM 166200. Disease mechanism: loss of function.
Ehlers-Danlos syndrome, arthrochalasia type. Also called: EDS VII, MUTANT PROCOLLAGEN TYPE; EDS VIIA; Ehlers-Danlos syndrome, arthrochalasis type; Ehlers-Danlos syndrome, arthrochalasia type, 1; ARTHROCHALASIS MULTIPLEX CONGENITA. Identifiers: Orphanet 1899, Orphanet 99875, Orphanet 99876, MedGen C4551623, MONDO:0007525, OMIM 130060.
Osteogenesis imperfecta, perinatal lethal (OI2). Also called: OI, TYPE II; OSTEOGENESIS IMPERFECTA CONGENITA; VROLIK TYPE OF OSTEOGENESIS IMPERFECTA; Osteogenesis imperfecta type 2; OSTEOGENESIS IMPERFECTA, TYPE II; Osteogenesis imperfecta, dominant perinatal lethal. Identifiers: Orphanet 216804, MedGen C0268358, MONDO:0008147, OMIM 166210.
Osteogenesis imperfecta with normal sclerae, dominant form (OI4). Also called: OSTEOGENESIS IMPERFECTA WITH NORMAL SCLERAE; Osteogenesis imperfecta type 4; Osteogenesis Imperfecta Type IV; OSTEOGENESIS IMPERFECTA, TYPE IV, WITH DENTINOGENESIS IMPERFECTA; Common Variable Osteogenesis Imperfecta with Normal Sclerae. Identifiers: Orphanet 216820, Orphanet 666, MedGen C0268363, MONDO:0008148, OMIM 166220.
Combined osteogenesis imperfecta and Ehlers-Danlos syndrome 1. Also called: OIEDS SYNDROME 1. Identifiers: MedGen C5436842, MONDO:0030854, OMIM 619115.
COL1A1-related disorder. Also called: COL1A1-related condition; COL1A1- related disease.

Submissions (3):

GeneDx
Classification: Pathogenic. Last evaluated: 2026-02-12. Review status: criteria provided, single submitter. Criteria: GeneDx Variant Classification Process June 2021. Collection method: clinical testing. Allele origin: germline. Affected: yes.
Comment: Identified in a fetus with skeletal anomalies on ultrasound and in individuals reported to have osteogenesis imperfecta in published literature, but detailed clinical information and familial segregation information were not provided (PMID: 17078022, 34358384); Occurs in the triple helical domain and replaces a glycine in a canonical Gly-X-Y repeat; missense substitution of a canonical glycine residue is expected to disrupt normal protein folding and function, and this is an established mechanism of disease (PMID: 34007986); Not observed at significant frequency in large population cohorts (gnomAD); In silico analysis supports that this missense variant has a deleterious effect on protein structure/function; This variant is associated with the following publications: (PMID: 17078022, 34007986, 34358384)

Fulgent Genetics
Classification: Pathogenic for Infantile cortical hyperostosis; Ehlers-Danlos syndrome, arthrochalasia type; Osteogenesis imperfecta type I; Osteogenesis imperfecta, perinatal lethal; Osteogenesis imperfecta with normal sclerae, dominant form; Osteoporosis; Osteogenesis imperfecta type III; Combined osteogenesis imperfecta and Ehlers-Danlos syndrome 1. Last evaluated: 2024-01-05. Review status: criteria provided, single submitter. Criteria: ACMG Guidelines, 2015. Collection method: clinical testing. Allele origin: germline.

Blueprint Genetics
Classification: Likely pathogenic for COL1A1-related disorders. Last evaluated: 2021-10-19. Review status: criteria provided, single submitter. Criteria: ACMG Guidelines, 2015. Collection method: clinical testing. Allele origin: de novo. Affected: yes. Observed: 2 variant alleles.